The following is an entry in ClinVar:

NM_001735.3(C5):c.4968G>A (p.Ser1656=)

Genes: C5 (complement C5; minus strand), C5-OT1 (C5 3' UTR overlapping transcript 1; minus strand). Cytogenetic location: 9q33.2.
Variant type: single nucleotide variant.
Coding change: c.4968G>A on transcript NM_001735.3 (MANE Select); coding-DNA position 4968, G replaced by A.
Protein change: p.Ser1656=; no amino-acid change (serine 1656 retained).
Molecular consequence: synonymous variant. On other transcripts: non-coding transcript variant (1).
Genome position (GRCh38, 1-based): chr9:120,952,802, C>T on the plus strand (G>A on the coding strand, the complement: C5 is on the minus strand). VCF-style: chr9-120952802-C-T. GRCh37 (hg19) VCF-style: chr9-123715080-C-T.
Other names: c.4986G>A, p.Ser1662= (NM_001317163.2).
Identifiers: ClinVar variation 1644150 (VCV001644150.15), dbSNP rs779625570, ClinGen allele CA5217007.

ClinVar aggregate classification (germline): Likely benign. Review status: criteria provided, multiple submitters, no conflicts (2 of 4 stars). 3 submissions from 3 submitters: Likely benign (3). Last evaluated 2025-11-01.

Allele frequency attached by ClinVar (database versions not stated): gnomAD 0.00004 and 0.00006; TOPMed 0.00005; ExAC 0.00006; gnomAD exomes 0.00016.
gnomAD v4.1: 234 of 1,613,450 alleles (0.015%); highest among the groups gnomAD compares: Non-Finnish European, 0.018%; no homozygotes.

Submissions (3):

CeGaT Center for Human Genetics Tuebingen
Classification: Likely benign. Last evaluated: 2025-11-01. Review status: criteria provided, single submitter. Criteria: CeGaT Center For Human Genetics Tuebingen Variant Classification Criteria Version 2. Collection method: clinical testing. Allele origin: germline. Affected: yes. Observed: 1 variant allele.
Comment: C5: BP4, BP7

Labcorp Genetics (formerly Invitae), Labcorp
Classification: Likely benign. Last evaluated: 2025-03-07. Review status: criteria provided, single submitter. Criteria: Invitae Variant Classification Sherloc (09022015). Collection method: clinical testing. Allele origin: germline.

Blueprint Genetics
Classification: Likely benign. Last evaluated: 2024-03-13. Review status: criteria provided, single submitter. Criteria: ACMG Guidelines, 2015. Collection method: clinical testing. Allele origin: germline.